The following is an entry in ClinVar:

NM_000493.4(COL10A1):c.1874dup (p.Tyr625Ter)

Genes: COL10A1 (collagen type X alpha 1 chain; minus strand), NT5DC1 (5'-nucleotidase domain containing 1; plus strand). Cytogenetic location: 6q22.1.
Variant type: Duplication.
Coding change: c.1874dup on transcript NM_000493.4 (MANE Select); coding-DNA position 1874, one base duplicated (A; older notation c.1874dupA).
Protein change: p.Tyr625Ter; replaces tyrosine 625 with a stop codon.
Molecular consequence: nonsense. On other transcripts: intron variant (1).
Genome position (GRCh38, 1-based): chr6:116,120,242, T duplicated on the plus strand (A on the coding strand, the reverse complement: COL10A1 is on the minus strand). VCF-style (leftmost placement, unchanged base first): chr6-116120241-A-AT. GRCh37 (hg19) VCF-style: chr6-116441404-A-AT.
Other names: c.1874dup, p.Tyr625Ter (NM_001424106.1, NM_001424107.1); c.529+2297dup (NM_152729.3); short protein forms Y625*.
Identifiers: ClinVar variation 4728032 (VCV004728032.1).
Genomic context (GRCh38, chr6:116,120,241, plus strand): 5'-TGTGAGATCGATGATGGCACTCCCTGAAGCCTGATCCAGGTAGCCTTTGGTGTATTCATC[A>AT]TAGGTGTACATTACAGGGGTGCCATTCTTATACAGGCCTACCCAAACATGAGTCCCTTTC-3'

ClinVar aggregate classification (germline): Likely pathogenic (1 of 4 stars; one submission).

Submission:

Labcorp Genetics (formerly Invitae), Labcorp
Classification: Likely pathogenic. Last evaluated: 2025-09-28. Review status: criteria provided, single submitter. Criteria: Invitae Variant Classification Sherloc (09022015). Collection method: clinical testing. Allele origin: germline.
Comment: This sequence change creates a premature translational stop signal (p.Tyr625*) in the COL10A1 gene. While this is not anticipated to result in nonsense mediated decay, it is expected to disrupt the last 56 amino acid(s) of the COL10A1 protein. This variant is not present in population databases (gnomAD no frequency). This premature translational stop signal has been observed in individual(s) with autosomal dominant metaphyseal chondrodysplasia (internal data). This variant is located in a region of the COL10A1 protein where a significant number of COL10A1 nonsense and frameshift mutations have been reported in association with autosomal dominant metaphyseal chondrodysplasia (PMID: 21447328, 33764685, 36400164). In summary, the currently available evidence indicates that the variant is pathogenic, but additional data are needed to prove that conclusively. Therefore, this variant has been classified as Likely Pathogenic.

Literature cited by the submitters: PubMed 21447328; PubMed 33764685; PubMed 36400164.